The following is an entry in ClinVar:

ClinVar aggregate classification (germline): Uncertain significance. Review status: criteria provided, single submitter (1 of 4 stars). 2 submissions from 2 submitters: Uncertain significance (1). 1 of the submissions does not count toward it. Last evaluated 2023-12-21.

Conditions:
ANGPT1-related disorder. Also called: ANGPT1-related condition.

Allele frequency attached by ClinVar (database versions not stated): gnomAD 0.00002; TOPMed 0.00002.
gnomAD v4.1: 14 of 1,613,974 alleles (0.00087%); highest among the groups gnomAD compares: Non-Finnish European, 0.0012%; no homozygotes.

Submissions (2):

Labcorp Genetics (formerly Invitae), Labcorp
Classification: Uncertain significance. Last evaluated: 2023-12-21. Review status: criteria provided, single submitter. Criteria: Invitae Variant Classification Sherloc (09022015). Collection method: clinical testing. Allele origin: germline.
Comment: This sequence change replaces histidine, which is basic and polar, with glutamine, which is neutral and polar, at codon 16 of the ANGPT1 protein (p.His16Gln). This variant is present in population databases (no rsID available, gnomAD 0.007%). This variant has not been reported in the literature in individuals affected with ANGPT1-related conditions. An algorithm developed to predict the effect of missense changes on protein structure and function (PolyPhen-2) suggests that this variant is likely to be tolerated. Algorithms developed to predict the effect of sequence changes on RNA splicing suggest that this variant may create or strengthen a splice site. In summary, the available evidence is currently insufficient to determine the role of this variant in disease. Therefore, it has been classified as a Variant of Uncertain Significance.

PreventionGenetics, part of Exact Sciences
Classification: Uncertain significance for ANGPT1-related condition. Last evaluated: 2023-10-18. Review status: no assertion criteria provided. Collection method: clinical testing. Allele origin: germline. Not counted in ClinVar's aggregate classification.
Comment: The ANGPT1 c.48C>G variant is predicted to result in the amino acid substitution p.His16Gln. To our knowledge, this variant has not been reported in the literature. This variant is reported in 0.0065% of alleles in individuals of European (Non-Finnish) descent in gnomAD. At this time, the clinical significance of this variant is uncertain due to the absence of conclusive functional and genetic evidence.

NM_001146.5(ANGPT1):c.48C>G (p.His16Gln)

Gene: ANGPT1 (angiopoietin 1; minus strand). Cytogenetic location: 8q23.1.
Variant type: single nucleotide variant.
Coding change: c.48C>G on transcript NM_001146.5 (MANE Select); coding-DNA position 48, C replaced by G.
Protein change: p.His16Gln; replaces histidine 16 with glutamine.
Molecular consequence: missense variant.
Genome position (GRCh38, 1-based): chr8:107,497,511, G>C on the plus strand (C>G on the coding strand, the complement: ANGPT1 is on the minus strand). VCF-style: chr8-107497511-G-C. GRCh37 (hg19) VCF-style: chr8-108509739-G-C.
Other names: c.48C>G, p.His16Gln (NM_001199859.3); c.48C>G (NM_001146.4); short protein forms H16Q.
Identifiers: ClinVar variation 3010180 (VCV003010180.5), dbSNP rs1405473465, ClinGen allele CA372035647.